The following is an entry in ClinVar:

NM_016006.6(ABHD5):c.295T>G (p.Cys99Gly)

Gene: ABHD5 (abhydrolase domain containing 5, lysophosphatidic acid acyltransferase; plus strand). Cytogenetic location: 3p21.33.
Variant type: single nucleotide variant.
Coding change: c.295T>G on transcript NM_016006.6 (MANE Select); coding-DNA position 295, T replaced by G.
Protein change: p.Cys99Gly; replaces cysteine 99 with glycine.
Molecular consequence: missense variant. On other transcripts: non-coding transcript variant (1).
Genome position (GRCh38, 1-based): chr3:43,702,376, T>G. VCF-style: chr3-43702376-T-G. GRCh37 (hg19) VCF-style: chr3-43743868-T-G.
Other names: c.295T>G, p.Cys99Gly (NM_001355186.2, NM_001365650.1); c.172T>G, p.Cys58Gly (NM_001365649.1); short protein forms C99G, C58G.
Identifiers: ClinVar variation 1961353 (VCV001961353.3), dbSNP rs1317240749, ClinGen allele CA352345223.

ClinVar aggregate classification (germline): Uncertain significance (1 of 4 stars; one submission).

gnomAD v4.1: 2 of 1,614,238 alleles (0.00012%); highest among the groups gnomAD compares: Admixed American, 0.0033%; no homozygotes.

Submission:

Labcorp Genetics (formerly Invitae), Labcorp
Classification: Uncertain significance. Last evaluated: 2023-08-04. Review status: criteria provided, single submitter. Criteria: Invitae Variant Classification Sherloc (09022015). Collection method: clinical testing. Allele origin: germline.
Comment: In summary, the available evidence is currently insufficient to determine the role of this variant in disease. Therefore, it has been classified as a Variant of Uncertain Significance. Advanced modeling of protein sequence and biophysical properties (such as structural, functional, and spatial information, amino acid conservation, physicochemical variation, residue mobility, and thermodynamic stability) performed at Invitae indicates that this missense variant is not expected to disrupt ABHD5 protein function. ClinVar contains an entry for this variant (Variation ID: 1961353). This variant has not been reported in the literature in individuals affected with ABHD5-related conditions. This variant is present in population databases (no rsID available, gnomAD 0.003%). This sequence change replaces cysteine, which is neutral and slightly polar, with glycine, which is neutral and non-polar, at codon 99 of the ABHD5 protein (p.Cys99Gly).